The following is an entry in ClinVar:

ClinVar aggregate classification (germline): Likely benign (0 of 4 stars; one submission).

Conditions:
KLHL17-related condition.

gnomAD v4.1: 13 of 1,520,218 alleles (0.00086%); highest among the groups gnomAD compares: East Asian, 0.0025%; no homozygotes.

Submission:

PreventionGenetics, part of Exact Sciences
Classification: Likely benign for KLHL17-related condition. Last evaluated: 2024-04-17. Review status: no assertion criteria provided. Collection method: clinical testing. Allele origin: germline.
Comment: This variant is classified as likely benign based on ACMG/AMP sequence variant interpretation guidelines (Richards et al. 2015 PMID: 25741868, with internal and published modifications).

NM_198317.3(KLHL17):c.1683G>A (p.Ala561=)

Gene: KLHL17 (kelch like family member 17; plus strand). Cytogenetic location: 1p36.33.
Variant type: single nucleotide variant.
Coding change: c.1683G>A on transcript NM_198317.3 (MANE Select); coding-DNA position 1683, G replaced by A.
Protein change: p.Ala561=; no amino-acid change (alanine 561 retained).
Molecular consequence: synonymous variant.
Genome position (GRCh38, 1-based): chr1:964,513, G>A. VCF-style: chr1-964513-G-A. GRCh37 (hg19) VCF-style: chr1-899893-G-A.
Identifiers: ClinVar variation 3353969 (VCV003353969.1).